The following is an entry in ClinVar:

NM_000417.3(IL2RA):c.815T>C (p.Ile272Thr)

Gene: IL2RA (interleukin 2 receptor subunit alpha; minus strand). Cytogenetic location: 10p15.1.
Variant type: single nucleotide variant.
Coding change: c.815T>C on transcript NM_000417.3 (MANE Select); coding-DNA position 815, T replaced by C.
Protein change: p.Ile272Thr; replaces isoleucine 272 with threonine.
Molecular consequence: missense variant.
Genome position (GRCh38, 1-based): chr10:6,012,876, A>G on the plus strand (T>C on the coding strand, the complement: IL2RA is on the minus strand). VCF-style: chr10-6012876-A-G. GRCh37 (hg19) VCF-style: chr10-6054839-A-G.
Other names: c.599T>C, p.Ile200Thr (NM_001308242.2); c.527T>C, p.Ile176Thr (NM_001308243.2); short protein forms I272T, I176T, I200T.
Identifiers: ClinVar variation 1430642 (VCV001430642.6), dbSNP rs12722712, ClinGen allele CA5397279.

ClinVar aggregate classification (germline): Uncertain significance (1 of 4 stars; one submission).

Conditions:
Immunodeficiency due to CD25 deficiency. Also called: CD25 DEFICIENCY; IMMUNODEFICIENCY 41 WITH LYMPHOPROLIFERATION AND AUTOIMMUNITY; IL2RA DEFICIENCY. Identifiers: Orphanet 169100, MedGen C1853392, MONDO:0011664, OMIM 606367.

Allele frequency attached by ClinVar (database versions not stated): gnomAD exomes 0.00001 and 0.00004; ExAC 0.00004; TOPMed 0.00013; gnomAD 0.00014 and 0.00015; 1000 Genomes Project 30x 0.00016; 1000 Genomes Project 0.00020; ESP Exome Variant Server 0.00023.
gnomAD v4.1: 46 of 1,613,882 alleles (0.0029%); highest among the groups gnomAD compares: African/African-American, 0.039%; no homozygotes.

Submission:

Labcorp Genetics (formerly Invitae), Labcorp
Classification: Uncertain significance for Immunodeficiency due to CD25 deficiency. Last evaluated: 2023-05-22. Review status: criteria provided, single submitter. Criteria: Invitae Variant Classification Sherloc (09022015). Collection method: clinical testing. Allele origin: germline.
Comment: This sequence change replaces isoleucine, which is neutral and non-polar, with threonine, which is neutral and polar, at codon 272 of the IL2RA protein (p.Ile272Thr). This variant is present in population databases (rs12722712, gnomAD 0.05%). This variant has not been reported in the literature in individuals affected with IL2RA-related conditions. ClinVar contains an entry for this variant (Variation ID: 1430642). An algorithm developed to predict the effect of missense changes on protein structure and function (PolyPhen-2) suggests that this variant is likely to be disruptive. In summary, the available evidence is currently insufficient to determine the role of this variant in disease. Therefore, it has been classified as a Variant of Uncertain Significance.